The following is an entry in ClinVar:

NM_000553.6(WRN):c.698C>T (p.Thr233Ile)

Gene: WRN (WRN RecQ like helicase; plus strand). Cytogenetic location: 8p12.
Variant type: single nucleotide variant.
Coding change: c.698C>T on transcript NM_000553.6 (MANE Select); coding-DNA position 698, C replaced by T.
Protein change: p.Thr233Ile; replaces threonine 233 with isoleucine.
Molecular consequence: missense variant.
Genome position (GRCh38, 1-based): chr8:31,068,301, C>T. VCF-style: chr8-31068301-C-T. GRCh37 (hg19) VCF-style: chr8-30925817-C-T.
Other names: short protein forms T233I.
Identifiers: ClinVar variation 458497 (VCV000458497.4), dbSNP rs1554519446, ClinGen allele CA370917092.
Genomic context (GRCh38, chr8:31,068,301, plus strand): 5'-TTTCTGTTTTTTTATAGGCTGGTTTTATTATTTACCGAAATTTAGAGATTTTGGATGATA[C>T]TGTGCAAAGGTTTGCTATAAATAAAGGTATGTTAAGATCCATAAATAAAATGTGAATTCA-3'
Protein context (NP_000544.2, residues 223-243): IYRNLEILDD[Thr233Ile]VQRFAINKEE

ClinVar aggregate classification (germline): Uncertain significance (1 of 4 stars; one submission).

Conditions:
Werner syndrome (WRN). Identifiers: Orphanet 902, MedGen C0043119, MONDO:0010196, OMIM 277700.

Submission:

Labcorp Genetics (formerly Invitae), Labcorp
Classification: Uncertain significance for Werner syndrome. Last evaluated: 2020-02-11. Review status: criteria provided, single submitter. Criteria: Invitae Variant Classification Sherloc (09022015). Collection method: clinical testing. Allele origin: germline.
Comment: This variant has not been reported in the literature in individuals with WRN-related disease. ClinVar contains an entry for this variant (Variation ID: 458497). Algorithms developed to predict the effect of missense changes on protein structure and function (SIFT, PolyPhen-2, Align-GVGD) all suggest that this variant is likely to be tolerated, but these predictions have not been confirmed by published functional studies and their clinical significance is uncertain. In summary, the available evidence is currently insufficient to determine the role of this variant in disease. Therefore, it has been classified as a Variant of Uncertain Significance. This sequence change replaces threonine with isoleucine at codon 233 of the WRN protein (p.Thr233Ile). The threonine residue is weakly conserved and there is a moderate physicochemical difference between threonine and isoleucine. This variant is not present in population databases (ExAC no frequency).